The following is an entry in ClinVar:

NM_005422.4(TECTA):c.1807T>C (p.Tyr603His)

Genes: TBCEL-TECTA (TBCEL-TECTA readthrough; plus strand), TECTA (tectorin alpha; plus strand). Cytogenetic location: 11q23.3.
Variant type: single nucleotide variant.
Coding change: c.1807T>C on transcript NM_005422.4 (MANE Select); coding-DNA position 1807, T replaced by C.
Protein change: p.Tyr603His; replaces tyrosine 603 with histidine.
Molecular consequence: missense variant.
Genome position (GRCh38, 1-based): chr11:121,127,784, T>C. VCF-style: chr11-121127784-T-C. GRCh37 (hg19) VCF-style: chr11-120998493-T-C.
Other names: c.2764T>C, p.Tyr922His (NM_001378761.1); short protein forms Y603H, Y922H.
Identifiers: ClinVar variation 1065074 (VCV001065074.3), dbSNP rs2135080936, ClinGen allele CA383013150.

ClinVar aggregate classification (germline): Uncertain significance (1 of 4 stars; one submission).

Conditions:
Hearing impairment. Also called: Impaired Hearing. Identifiers: MedGen C1384666, MONDO:0005365, HP:0000365.

Submission:

Department of Otolaryngology – Head & Neck Surgery, Cochlear Implant Center
Classification: Uncertain significance for Hearing impairment. Last evaluated: 2021-04-12. Review status: criteria provided, single submitter. Criteria: ClinGen HL ACMG Specifications v1. Collection method: clinical testing. Allele origin: germline. Affected: yes.
Comment: PM2_Moderate, PP3_Supporting